The following is an entry in ClinVar:

NM_000812.4(GABRB1):c.119C>G (p.Thr40Arg)

Gene: GABRB1 (gamma-aminobutyric acid type A receptor subunit beta1; plus strand). Cytogenetic location: 4p12.
Variant type: single nucleotide variant.
Coding change: c.119C>G on transcript NM_000812.4 (MANE Select); coding-DNA position 119, C replaced by G.
Protein change: p.Thr40Arg; replaces threonine 40 with arginine.
Molecular consequence: missense variant.
Genome position (GRCh38, 1-based): chr4:47,031,952, C>G. VCF-style: chr4-47031952-C-G. GRCh37 (hg19) VCF-style: chr4-47033969-C-G.
Other names: short protein forms T40R.
Identifiers: ClinVar variation 2705910 (VCV002705910.3), dbSNP rs1417092253, ClinGen allele CA356805387.

ClinVar aggregate classification (germline): Uncertain significance (1 of 4 stars; one submission).

Allele frequency attached by ClinVar (database versions not stated): TOPMed below 0.00001; gnomAD 0.00001.
gnomAD v4.1: 1 of 1,613,674 alleles (0.000062%); highest among the groups gnomAD compares: Non-Finnish European, 0.000085%; no homozygotes.

Submission:

Labcorp Genetics (formerly Invitae), Labcorp
Classification: Uncertain significance. Last evaluated: 2023-12-27. Review status: criteria provided, single submitter. Criteria: Invitae Variant Classification Sherloc (09022015). Collection method: clinical testing. Allele origin: germline.
Comment: This sequence change replaces threonine, which is neutral and polar, with arginine, which is basic and polar, at codon 40 of the GABRB1 protein (p.Thr40Arg). This variant is not present in population databases (gnomAD no frequency). This variant has not been reported in the literature in individuals affected with GABRB1-related conditions. Advanced modeling of protein sequence and biophysical properties (such as structural, functional, and spatial information, amino acid conservation, physicochemical variation, residue mobility, and thermodynamic stability) performed at Invitae indicates that this missense variant is not expected to disrupt GABRB1 protein function with a negative predictive value of 80%. In summary, the available evidence is currently insufficient to determine the role of this variant in disease. Therefore, it has been classified as a Variant of Uncertain Significance.